The following is an entry in ClinVar:

NM_004963.4(GUCY2C):c.1351C>T (p.Leu451Phe)

Gene: GUCY2C (guanylate cyclase 2C; minus strand). Cytogenetic location: 12p12.3.
Variant type: single nucleotide variant.
Coding change: c.1351C>T on transcript NM_004963.4 (MANE Select); coding-DNA position 1351, C replaced by T.
Protein change: p.Leu451Phe; replaces leucine 451 with phenylalanine.
Molecular consequence: missense variant.
Genome position (GRCh38, 1-based): chr12:14,660,994, G>A on the plus strand (C>T on the coding strand, the complement: GUCY2C is on the minus strand). VCF-style: chr12-14660994-G-A. GRCh37 (hg19) VCF-style: chr12-14813928-G-A.
Other names: short protein forms L451F.
Identifiers: ClinVar variation 4621224 (VCV004621224.2).

ClinVar aggregate classification (germline): Uncertain significance. Review status: criteria provided, multiple submitters, no conflicts (2 of 4 stars). 2 submissions from 2 submitters: Uncertain significance (2). Last evaluated 2025-11-19.

Conditions:
Inborn genetic diseases. Identifiers: MedGen C0950123, MeSH D030342.

gnomAD v4.1: 27 of 1,610,576 alleles (0.0017%); highest among the groups gnomAD compares: Non-Finnish European, 0.0023%; no homozygotes.

Submissions (2):

Ambry Genetics
Classification: Uncertain significance for Inborn genetic diseases. Last evaluated: 2025-11-19. Review status: criteria provided, single submitter. Criteria: Ambry Variant Classification Scheme 2023. Collection method: clinical testing. Allele origin: germline.

Labcorp Genetics (formerly Invitae), Labcorp
Classification: Uncertain significance. Last evaluated: 2025-11-02. Review status: criteria provided, single submitter. Criteria: Invitae Variant Classification Sherloc (09022015). Collection method: clinical testing. Allele origin: germline.
Comment: This sequence change replaces leucine, which is neutral and non-polar, with phenylalanine, which is neutral and non-polar, at codon 451 of the GUCY2C protein (p.Leu451Phe). This variant is present in population databases (rs371692666, gnomAD 0.0009%). This variant has not been reported in the literature in individuals affected with GUCY2C-related conditions. Invitae Evidence Modeling of protein sequence and biophysical properties (such as structural, functional, and spatial information, amino acid conservation, physicochemical variation, residue mobility, and thermodynamic stability) indicates that this missense variant is not expected to disrupt GUCY2C protein function with a negative predictive value of 80%. In summary, the available evidence is currently insufficient to determine the role of this variant in disease. Therefore, it has been classified as a Variant of Uncertain Significance.